The following is an entry in ClinVar:

NM_017617.5(NOTCH1):c.2524G>A (p.Gly842Arg)

Gene: NOTCH1 (notch receptor 1; minus strand). Cytogenetic location: 9q34.3.
Variant type: single nucleotide variant.
Coding change: c.2524G>A on transcript NM_017617.5 (MANE Select); coding-DNA position 2524, G replaced by A.
Protein change: p.Gly842Arg; replaces glycine 842 with arginine.
Molecular consequence: missense variant.
Genome position (GRCh38, 1-based): chr9:136,511,215, C>T on the plus strand (G>A on the coding strand, the complement: NOTCH1 is on the minus strand). VCF-style: chr9-136511215-C-T. GRCh37 (hg19) VCF-style: chr9-139405667-C-T.
Other names: short protein forms G842R.
Identifiers: ClinVar variation 1792580 (VCV001792580.3), dbSNP rs376934533, ClinGen allele CA5341279.
Genomic context (GRCh38, chr9:136,511,215, plus strand): 5'-GCCAGCCCGTGGGGCAGACACAGGAGAAGCTCTCATAGTCCTCGGATTGCCTGCACTCCC[C>T]GCCGTTTCTGCAGGGGCTGGGGGCACACGGGGCCAGCACCACCTCACACGTGGCACCTGC-3'
Protein context (NP_060087.3, residues 832-852): PCAPSPCRNG[Gly842Arg]ECRQSEDYES

ClinVar aggregate classification (germline): Conflicting classifications of pathogenicity. Review status: criteria provided, conflicting classifications (1 of 4 stars). 2 submissions from 2 submitters: Uncertain significance (1); Likely benign (1). Last evaluated 2025-03-05.

Conditions:
Adams-Oliver syndrome 5 (AOS5). Identifiers: Orphanet 974, MedGen C4014970, MONDO:0014459, OMIM 616028.
Familial thoracic aortic aneurysm and aortic dissection (TAAD). Also called: Thoracic aortic aneurysms and dissections. Identifiers: Orphanet 91387, MedGen C4707243, MONDO:0019625.

Allele frequency attached by ClinVar (database versions not stated): gnomAD exomes below 0.00001; TOPMed below 0.00001; ExAC 0.00002; ESP Exome Variant Server 0.00008.
gnomAD v4.1: 2 of 1,612,292 alleles (0.00012%); highest among the groups gnomAD compares: Non-Finnish European, 0.00017%; no homozygotes.

Submissions (2):

Labcorp Genetics (formerly Invitae), Labcorp
Classification: Likely benign for Adams-Oliver syndrome 5. Last evaluated: 2025-03-05. Review status: criteria provided, single submitter. Criteria: Invitae Variant Classification Sherloc (09022015). Collection method: clinical testing. Allele origin: germline.

Ambry Genetics
Classification: Uncertain significance for Familial thoracic aortic aneurysm and aortic dissection. Last evaluated: 2021-12-08. Review status: criteria provided, single submitter. Criteria: Ambry Variant Classification Scheme 2023. Collection method: clinical testing. Allele origin: germline.
Comment: The p.G842R variant (also known as c.2524G>A), located in coding exon 16 of the NOTCH1 gene, results from a G to A substitution at nucleotide position 2524. The glycine at codon 842 is replaced by arginine, an amino acid with dissimilar properties. This amino acid position is conserved. In addition, this alteration is predicted to be deleterious by in silico analysis. Since supporting evidence is limited at this time, the clinical significance of this alteration remains unclear.